The following is an entry in ClinVar:

NM_000298.6(PKLR):c.1116+32T>G

Gene: PKLR (pyruvate kinase L/R; minus strand). Cytogenetic location: 1q22.
Variant type: single nucleotide variant.
Coding change: c.1116+32T>G on transcript NM_000298.6 (MANE Select); 32 bases into the intron after coding-DNA position 1116, T replaced by G.
Molecular consequence: intron variant.
Genome position (GRCh38, 1-based): chr1:155,294,203, A>C on the plus strand (T>G on the coding strand, the complement: PKLR is on the minus strand). VCF-style: chr1-155294203-A-C. GRCh37 (hg19) VCF-style: chr1-155263994-A-C.
Other names: c.1023+32T>G (NM_181871.4).
Identifiers: ClinVar variation 4978800 (VCV004978800.1).
Genomic context (GRCh38, chr1:155,294,203, plus strand): 5'-ACAAAACAAAATAAACCCCTACAGTGTGGGTATTCACCCACAGGTGTCCCTAAAACCCAC[A>C]GAGTGCCGAACCTCAAGGCCTCACTCCAGACCTGTGTGGCACAGACAACAGGCTTGCCCG-3'

ClinVar aggregate classification (germline): Uncertain significance (1 of 4 stars; one submission).

Conditions:
PKLR-related disorder. Also called: PKLR-related condition.

gnomAD v4.1: 475 of 1,613,070 alleles (0.029%); highest among the groups gnomAD compares: Non-Finnish European, 0.039%; no homozygotes.

Submission:

PreventionGenetics, part of Exact Sciences
Classification: Uncertain significance for PKLR-related condition. Last evaluated: 2024-12-19. Review status: criteria provided, single submitter. Criteria: ACMG Guidelines, 2015. Collection method: clinical testing. Allele origin: germline.
Comment: The PKLR c.1116+32T>G variant is predicted to interfere with splicing. To our knowledge, this variant has not been reported in the literature. This variant is reported in 0.019% of alleles in individuals of European (Non-Finnish) descent in gnomAD. At this time, the clinical significance of this variant is uncertain due to the absence of conclusive functional and genetic evidence.